The following is an entry in ClinVar:

ClinVar aggregate classification (germline): Pathogenic/Likely pathogenic. Review status: criteria provided, multiple submitters, no conflicts (2 of 4 stars). 5 submissions from 5 submitters: Pathogenic (4); Likely pathogenic (1). Last evaluated 2025-08-29.

Conditions:
Inborn genetic diseases. Identifiers: MedGen C0950123, MeSH D030342.
Baraitser-winter syndrome 2. Identifiers: Orphanet 2995, MedGen C3281235, MONDO:0013812, OMIM 614583.
Neurodevelopmental delay. Identifiers: MedGen C4022738, HP:0012758.

Submissions (5):

GeneDx
Classification: Pathogenic. Last evaluated: 2025-08-29. Review status: criteria provided, single submitter. Criteria: GeneDx Variant Classification Process June 2021. Collection method: clinical testing. Allele origin: germline.
Comment: Not observed at significant frequency in large population cohorts (gnomAD); Missense variants in this gene are a common cause of disease and they are underrepresented in the general population; In silico analysis supports that this missense variant has a deleterious effect on protein structure/function; This variant is associated with the following publications: (PMID: 27240540, 35054877)

MGZ Medical Genetics Center
Classification: Likely pathogenic for Baraitser-winter syndrome 2. Last evaluated: 2022-03-07. Review status: criteria provided, single submitter. Criteria: ACMG Guidelines, 2015. Collection method: clinical testing. Allele origin: germline. Affected: yes. Observed: 1 variant allele.
Comment: ACMG criteria applied: PS2, PM5, PM2_SUP, PP2, PP3

3billion
Classification: Pathogenic for Baraitser-winter syndrome 2. Last evaluated: 2021-10-02. Review status: criteria provided, single submitter. Criteria: ACMG Guidelines, 2015. Collection method: clinical testing. Allele origin: unknown. Affected: yes. Observed: 1 heterozygote.
Comment: The variant has been previously reported as de novoo in a similarly affected individual (PMID: 27240540, PS2). The variant was observed as assumed (i.e. paternity and maternity not confirmed) de novoo (3billion dataset, PM6). It is not observed in the gnomAD v2.1.1 dataset (PM2). Missense changes are a common disease-causing mechanism (PP2).. In silico tool predictions suggest damaging effect of the variant on gene or gene product (REVEL: 0.844, 3Cnet: 0.988, PP3). Therefore, this variant is classified as pathogenic according to the recommendation of ACMG/AMP guideline.

Ambry Genetics
Classification: Pathogenic for Inborn genetic diseases. Last evaluated: 2015-04-14. Review status: criteria provided, single submitter. Criteria: Ambry exome assertion method (8-5-2015). Collection method: clinical testing. Allele origin: germline. Affected: yes. Observed: 1 variant allele.

Centre de Biologie Pathologie Génétique, Centre Hospitalier Universitaire de Lille
Classification: Pathogenic for Neurodevelopmental delay. Review status: criteria provided, single submitter. Criteria: ACMG Guidelines, 2015. Collection method: clinical testing. Allele origin: de novo. Affected: yes.

Literature cited by the submitters: PubMed 27240540 (cited by 3billion).

NM_001614.5(ACTG1):c.1004G>A (p.Arg335His)

Gene: ACTG1 (actin gamma 1; minus strand). Cytogenetic location: 17q25.3.
Variant type: single nucleotide variant.
Coding change: c.1004G>A on transcript NM_001614.5 (MANE Select); coding-DNA position 1004, G replaced by A.
Protein change: p.Arg335His; replaces arginine 335 with histidine.
Molecular consequence: missense variant. On other transcripts: non-coding transcript variant (1).
Genome position (GRCh38, 1-based): chr17:81,510,814, C>T on the plus strand (G>A on the coding strand, the complement: ACTG1 is on the minus strand). VCF-style: chr17-81510814-C-T. GRCh37 (hg19) VCF-style: chr17-79477840-C-T.
Other names: c.1004G>A, p.Arg335His (NM_001199954.3); short protein forms R335H.
Identifiers: ClinVar variation 520655 (VCV000520655.9), dbSNP rs1555666392, ClinGen allele CA401458580.
Genomic context (GRCh38, chr17:81,510,814, plus strand): 5'-ATCTGCTGGAAGGTGGACAGTGAGGCCAGGATGGAGCCACCGATCCACACCGAGTACTTG[C>T]GCTCTGGGGGTGCGATGATCTGCAAAGACAGCCAGGCACGGCTTCAGCTCACAGAGCGCC-3'
Protein context (NP_001605.1, residues 325-345): MKIKIIAPPE[Arg335His]KYSVWIGGSI